The following is an entry in ClinVar:

ClinVar aggregate classification (germline): Likely benign (0 of 4 stars; one submission).

Conditions:
XDH-related disorder. Also called: XDH-related condition.

Submission:

PreventionGenetics, part of Exact Sciences
Classification: Likely benign for XDH-related condition. Last evaluated: 2022-04-28. Review status: no assertion criteria provided. Collection method: clinical testing. Allele origin: germline.
Comment: This variant is classified as likely benign based on ACMG/AMP sequence variant interpretation guidelines (Richards et al. 2015 PMID: 25741868, with internal and published modifications).

NM_000379.4(XDH):c.3775-6G>T

Gene: XDH (xanthine dehydrogenase; minus strand). Cytogenetic location: 2p23.1.
Variant type: single nucleotide variant.
Coding change: c.3775-6G>T on transcript NM_000379.4 (MANE Select); 6 bases into the intron before coding-DNA position 3775, G replaced by T.
Molecular consequence: intron variant.
Genome position (GRCh38, 1-based): chr2:31,337,823, C>A on the plus strand (G>T on the coding strand, the complement: XDH is on the minus strand). VCF-style: chr2-31337823-C-A. GRCh37 (hg19) VCF-style: chr2-31560689-C-A.
Identifiers: ClinVar variation 3044587 (VCV003044587.2), dbSNP rs2465294672, ClinGen allele CA2740092817.